The following is an entry in ClinVar:

ClinVar aggregate classification (germline): Likely benign. Review status: criteria provided, multiple submitters, no conflicts (2 of 4 stars). 3 submissions from 3 submitters: Likely benign (2). 1 of the submissions does not count toward it. Last evaluated 2026-09-01.

Conditions:
Inborn genetic diseases. Identifiers: MedGen C0950123, MeSH D030342.
Seckel syndrome 1 (SCKL1). Also called: MICROCEPHALIC PRIMORDIAL DWARFISM I. Identifiers: Orphanet 808, MedGen C4551474, MONDO:0008869, OMIM 210600.

Allele frequency attached by ClinVar (database versions not stated): gnomAD exomes below 0.00001.
gnomAD v4.1: 2 of 1,614,052 alleles (0.00012%); highest among the groups gnomAD compares: South Asian, 0.0022%; no homozygotes.

Submissions (3):

CeGaT Center for Human Genetics Tuebingen
Classification: Likely benign. Last evaluated: 2026-09-01. Review status: criteria provided, single submitter. Criteria: CeGaT Center For Human Genetics Tuebingen Variant Classification Criteria Version 2. Collection method: clinical testing. Allele origin: germline. Affected: yes. Observed: 1 variant allele.
Comment: ATR: BP4, BP7

Ambry Genetics
Classification: Likely benign for Inborn genetic diseases. Last evaluated: 2021-02-18. Review status: criteria provided, single submitter. Criteria: Ambry Variant Classification Scheme 2023. Collection method: clinical testing. Allele origin: germline.

OMIM
Classification: Pathogenic for SECKEL SYNDROME 1. Last evaluated: 2003-04-01. Review status: no assertion criteria provided. Collection method: literature only. Allele origin: unknown. Not counted in ClinVar's aggregate classification.

Literature cited by the submitters: PubMed 12640452 (cited by OMIM); PubMed 10691732 (cited by OMIM); PubMed 11721054 (cited by OMIM).

NM_001184.4(ATR):c.2022A>G (p.Gly674=)

Gene: ATR (ATR checkpoint kinase; minus strand). Cytogenetic location: 3q23.
Variant type: single nucleotide variant.
Coding change: c.2022A>G on transcript NM_001184.4 (MANE Select); coding-DNA position 2022, A replaced by G.
Protein change: p.Gly674=; no amino-acid change (glycine 674 retained).
Molecular consequence: synonymous variant.
Genome position (GRCh38, 1-based): chr3:142,556,439, T>C on the plus strand (A>G on the coding strand, the complement: ATR is on the minus strand). VCF-style: chr3-142556439-T-C. GRCh37 (hg19) VCF-style: chr3-142275281-T-C.
Other names: 2101A-G; c.1830A>G, p.Gly610= (NM_001354579.2).
Identifiers: ClinVar variation 8307 (VCV000008307.5), dbSNP rs587776690, ClinGen allele CA340770.